The following is an entry in ClinVar:

ClinVar aggregate classification (germline): Likely pathogenic (1 of 4 stars; one submission).

Conditions:
Symmetrical dyschromatosis of extremities (DSH). Also called: DYSCHROMATOSIS SYMMETRICA HEREDITARIA 1; RETICULATE ACROPIGMENTATION OF DOHI; SYMMETRIC DYSCHROMATOSIS OF THE EXTREMITIES; Dyschromatosis symmetrica hereditaria. Identifiers: Orphanet 41, MedGen C0406775, MONDO:0007483, OMIM 127400.

Submission:

Dermatology, The Second Affiliated Hospital of Xi'an Jiaotong University
Classification: Likely pathogenic for Symmetrical dyschromatosis of extremities. Last evaluated: 2020-10-23. Review status: criteria provided, single submitter. Criteria: ACMG Guidelines, 2015. Collection method: clinical testing. Allele origin: germline. Affected: yes. Observed: 7 variant alleles.
Comment: Frameshift deletion c.1024delG is classified as Pathogenic for autosomal dominant Dyschromatosis symmetrica hereditaria (OMIM 127400). This variant is predicted to cause loss of function through nonsense-mediated decay (PVS1; Very Strong), a known mechanism for this disorder. It is absent or extremely rare in population databases (PM2). The multigenerational transmission through both paternal and maternal lines strongly supports co-segregation with disease (PP1_Moderate). Patient phenotypes were consistent with the disorder (PP4). The combined evidence unequivocally exceeds the threshold for Pathogenic classification.

NM_001111.5(ADAR):c.1024del (p.Asp342fs)

Gene: ADAR (adenosine deaminase RNA specific; minus strand). Cytogenetic location: 1q21.3.
Variant type: Deletion.
Coding change: c.1024del on transcript NM_001111.5 (MANE Select); coding-DNA position 1024, one base deleted (G; older notation c.1024delG).
Protein change: p.Asp342fs; shifts the reading frame from aspartic acid 342.
Molecular consequence: frameshift variant.
Genome position (GRCh38, 1-based): chr1:154,601,618, C deleted on the plus strand (G on the coding strand, the reverse complement: ADAR is on the minus strand); the first of 5 consecutive C bases (chr1:154,601,618-154,601,622); deleting any one gives the same sequence. VCF-style (leftmost placement, unchanged base first): chr1-154601617-TC-T. GRCh37 (hg19) VCF-style: chr1-154574093-TC-T.
Other names: c.139del, p.Asp47fs (NM_001025107.3, NM_001193495.2, NM_001365046.1 and 3 more transcripts); c.1051del, p.Asp351fs (NM_001365045.1); c.1024del, p.Asp342fs (NM_015840.4, NM_015841.4); c.1024delG (NM_001111.5); short protein forms D342fs, D351fs, D47fs.
Identifiers: ClinVar variation 4075406 (VCV004075406.1).
Genomic context (GRCh38, chr1:154,601,617, plus strand): 5'-CTCTCTCGCTTCTTGTCTGTCAAATGCCATATGGGAGGGGTTGTCCCTTGTCTATAGACA[TC>T]CCCCTGCCTTTCCATGTCAATTAGCACAGCATTTATATCTCGGGCCTTGGTAAGGCCAAT-3'